The following is an entry in ClinVar:

NM_014283.5(SUCO):c.1795G>A (p.Gly599Ser)

Gene: SUCO (SUN domain containing ossification factor; plus strand). Cytogenetic location: 1q24.3.
Variant type: single nucleotide variant.
Coding change: c.1795G>A on transcript NM_014283.5 (MANE Select); coding-DNA position 1795, G replaced by A.
Protein change: p.Gly599Ser; replaces glycine 599 with serine.
Molecular consequence: missense variant.
Genome position (GRCh38, 1-based): chr1:172,588,896, G>A. VCF-style: chr1-172588896-G-A. GRCh37 (hg19) VCF-style: chr1-172558036-G-A.
Other names: c.1684G>A, p.Gly562Ser (NM_001282750.2); c.106G>A, p.Gly36Ser (NM_001282751.2); c.2248G>A, p.Gly750Ser (NM_016227.4); short protein forms G562S, G36S, G750S, G599S.
Identifiers: ClinVar variation 2368824 (VCV002368824.6), dbSNP rs766576373, ClinGen allele CA1246965.
Genomic context (GRCh38, chr1:172,588,896, plus strand): 5'-CAGTTAGTTCAAGAGGAGGAAGAGGAGGCAAGTCCATCTACAGTGACCCTTCTGGGCAGC[G>A]GTGAACAGGAAGATGAATCATCACCCTGGTTTGAGTCAGAGACACAAATATTTTGCAGTG-3'
Protein context (NP_055098.1, residues 589-609): SPSTVTLLGS[Gly599Ser]EQEDESSPWF

ClinVar aggregate classification (germline): Uncertain significance. Review status: criteria provided, multiple submitters, no conflicts (2 of 4 stars). 2 submissions from 2 submitters: Uncertain significance (2). Last evaluated 2025-08-22.

Allele frequency attached by ClinVar (database versions not stated): gnomAD 0.00001; TOPMed 0.00002; ExAC 0.00003; gnomAD exomes 0.00004.
gnomAD v4.1: 60 of 1,613,224 alleles (0.0037%); highest among the groups gnomAD compares: South Asian, 0.02%; no homozygotes.

Submissions (2):

Ambry Genetics
Classification: Uncertain significance. Last evaluated: 2025-08-22. Review status: criteria provided, single submitter. Criteria: Ambry Variant Classification Scheme 2023. Collection method: clinical testing. Allele origin: germline.

Labcorp Genetics (formerly Invitae), Labcorp
Classification: Uncertain significance. Last evaluated: 2023-01-22. Review status: criteria provided, single submitter. Criteria: Invitae Variant Classification Sherloc (09022015). Collection method: clinical testing. Allele origin: germline.
Comment: In summary, the available evidence is currently insufficient to determine the role of this variant in disease. Therefore, it has been classified as a Variant of Uncertain Significance. Algorithms developed to predict the effect of missense changes on protein structure and function (SIFT, PolyPhen-2, Align-GVGD) all suggest that this variant is likely to be tolerated. This variant has not been reported in the literature in individuals affected with SUCO-related conditions. This variant is present in population databases (rs766576373, gnomAD 0.02%). This sequence change replaces glycine, which is neutral and non-polar, with serine, which is neutral and polar, at codon 599 of the SUCO protein (p.Gly599Ser).